The following is an entry in ClinVar:

ClinVar aggregate classification (germline): Uncertain significance. Review status: criteria provided, multiple submitters, no conflicts (2 of 4 stars). 2 submissions from 2 submitters: Uncertain significance (2). Last evaluated 2026-08-24.

Conditions:
Cardiovascular phenotype. Identifiers: MedGen CN230736.

gnomAD v4.1: 8 of 1,614,012 alleles (0.0005%); highest among the groups gnomAD compares: Admixed American, 0.0017%; no homozygotes.

Submissions (2):

Ambry Genetics
Classification: Uncertain significance for Cardiovascular phenotype. Last evaluated: 2026-08-24. Review status: criteria provided, single submitter. Criteria: Ambry Variant Classification Scheme 2023. Collection method: clinical testing. Allele origin: germline.
Comment: The p.Y186H variant (also known as c.556T>C), located in coding exon 1 of the LOX gene, results from a T to C substitution at nucleotide position 556. The tyrosine at codon 186 is replaced by histidine, an amino acid with similar properties. This amino acid position is conserved. In addition, this alteration is predicted to be tolerated by in silico analysis. Based on the available evidence, the clinical significance of this variant remains unclear.

Labcorp Genetics (formerly Invitae), Labcorp
Classification: Uncertain significance. Last evaluated: 2024-08-01. Review status: criteria provided, single submitter. Criteria: Invitae Variant Classification Sherloc (09022015). Collection method: clinical testing. Allele origin: germline.
Comment: This sequence change replaces tyrosine, which is neutral and polar, with histidine, which is basic and polar, at codon 186 of the LOX protein (p.Tyr186His). This variant is present in population databases (rs773161676, gnomAD 0.006%). This variant has not been reported in the literature in individuals affected with LOX-related conditions. Advanced modeling of protein sequence and biophysical properties (such as structural, functional, and spatial information, amino acid conservation, physicochemical variation, residue mobility, and thermodynamic stability) has been performed at Invitae for this missense variant, however the output from this modeling did not meet the statistical confidence thresholds required to predict the impact of this variant on LOX protein function. In summary, the available evidence is currently insufficient to determine the role of this variant in disease. Therefore, it has been classified as a Variant of Uncertain Significance.

NM_002317.7(LOX):c.556T>C (p.Tyr186His)

Genes: LOX (lysyl oxidase; minus strand), SRFBP1 (serum response factor binding protein 1; plus strand). Cytogenetic location: 5q23.1.
Variant type: single nucleotide variant.
Coding change: c.556T>C on transcript NM_002317.7 (MANE Select); coding-DNA position 556, T replaced by C.
Protein change: p.Tyr186His; replaces tyrosine 186 with histidine.
Molecular consequence: missense variant.
Genome position (GRCh38, 1-based): chr5:122,077,430, A>G on the plus strand (T>C on the coding strand, the complement: LOX is on the minus strand). VCF-style: chr5-122077430-A-G. GRCh37 (hg19) VCF-style: chr5-121413125-A-G.
Other names: c.556T>C (NM_002317.5); short protein forms Y186H.
Identifiers: ClinVar variation 3612477 (VCV003612477.3).